The following is an entry in ClinVar:

NM_006662.3(SRCAP):c.2471_2474dup (p.Val826fs)

Gene: SRCAP (Snf2 related CREBBP activator protein; plus strand). Cytogenetic location: 16p11.2.
Variant type: Duplication.
Coding change: c.2471_2474dup on transcript NM_006662.3 (MANE Select); coding-DNA positions 2471 to 2474, 4 bases duplicated (GTCT; older notation c.2471_2474dupGTCT).
Protein change: p.Val826fs; shifts the reading frame from valine 826.
Molecular consequence: frameshift variant.
Genome position (GRCh38, 1-based): chr16:30,713,689-30,713,692, GTCT duplicated. VCF-style (leftmost placement, unchanged base first): chr16-30713688-G-GGTCT. GRCh37 (hg19) VCF-style: chr16-30725009-G-GGTCT.
Other names: short protein forms V826fs.
Identifiers: ClinVar variation 1333335 (VCV001333335.1), dbSNP rs2151289213, ClinGen allele CA2573054220.

ClinVar aggregate classification (germline): Likely pathogenic (1 of 4 stars; one submission).

Conditions:
Developmental delay, hypotonia, musculoskeletal defects, and behavioral abnormalities. Identifiers: MedGen C5562012, MONDO:0859202, OMIM 619595.

Submission:

3billion
Classification: Likely pathogenic for Developmental delay, hypotonia, musculoskeletal defects, and behavioral abnormalities. Last evaluated: 2022-01-03. Review status: criteria provided, single submitter. Criteria: ACMG Guidelines, 2015. Collection method: clinical testing. Allele origin: germline. Affected: yes. Observed: 1 heterozygote.
Comment: Frameshift: predicted to result in a loss or disruption of normal protein function through nonsense-mediated decay (NMD) or protein truncation. Multiple pathogenic variants are reported downstream of the variant (PVS1_VS). It is not observed in the gnomAD v2.1.1 dataset (PM2_M). Therefore, this variant is classified as likely pathogenic according to the recommendation of ACMG/AMP guideline.